The following is an entry in ClinVar:

ClinVar aggregate classification (germline): Uncertain significance. Review status: criteria provided, multiple submitters, no conflicts (2 of 4 stars). 2 submissions from 2 submitters: Uncertain significance (2). Last evaluated 2025-01-08.

Conditions:
Familial acute necrotizing encephalopathy (IIAE3). Also called: ENCEPHALOPATHY, ACUTE, INFECTION-INDUCED, SUSCEPTIBILITY TO, 3; Susceptibility to Acute Necrotizing Encephalopathy 1. Identifiers: Orphanet 88619, MedGen C2675556, MONDO:0011953, OMIM 608033.

Allele frequency attached by ClinVar (database versions not stated): gnomAD exomes below 0.00001.

Submissions (2):

Labcorp Genetics (formerly Invitae), Labcorp
Classification: Uncertain significance for Familial acute necrotizing encephalopathy. Last evaluated: 2025-01-08. Review status: criteria provided, single submitter. Criteria: Invitae Variant Classification Sherloc (09022015). Collection method: clinical testing. Allele origin: germline.
Comment: This sequence change creates a premature translational stop signal (p.Arg563Lysfs*28) in the RANBP2 gene. It is expected to result in an absent or disrupted protein product. However, the current clinical and genetic evidence is not sufficient to establish whether loss-of-function variants in RANBP2 cause disease. This variant is present in population databases (no rsID available, gnomAD 0.006%). This variant has not been reported in the literature in individuals affected with RANBP2-related conditions. ClinVar contains an entry for this variant (Variation ID: 1328908). In summary, the available evidence is currently insufficient to determine the role of this variant in disease. Therefore, it has been classified as a Variant of Uncertain Significance.

GeneDx
Classification: Uncertain significance. Last evaluated: 2021-06-20. Review status: criteria provided, single submitter. Criteria: GeneDx Variant Classification Process June 2021. Collection method: clinical testing. Allele origin: germline. Affected: yes.
Comment: Not observed at significant frequency in large population cohorts (Lek et al., 2016); Frameshift variant predicted to result in protein truncation or nonsense mediated decay in a gene for which loss-of-function is not a known mechanism of disease; Has not been previously published as pathogenic or benign to our knowledge; This variant is associated with the following publications: (PMID: 27535533)

NM_006267.5(RANBP2):c.1685dup (p.Arg563fs)

Gene: RANBP2 (RAN binding protein 2; plus strand). Cytogenetic location: 2q13.
Variant type: Duplication.
Coding change: c.1685dup on transcript NM_006267.5 (MANE Select); coding-DNA position 1685, one base duplicated (T; older notation c.1685dupT).
Protein change: p.Arg563fs; shifts the reading frame from arginine 563.
Molecular consequence: frameshift variant.
Genome position (GRCh38, 1-based): chr2:108,751,924, T duplicated. VCF-style (leftmost placement, unchanged base first): chr2-108751923-C-CT. GRCh37 (hg19) VCF-style: chr2-109368379-C-CT.
Other names: short protein forms R563fs.
Identifiers: ClinVar variation 1328908 (VCV001328908.6), dbSNP rs1558903136, ClinGen allele CA535146148.